The following is an entry in ClinVar:

ClinVar aggregate classification (germline): Likely benign. Review status: criteria provided, multiple submitters, no conflicts (2 of 4 stars). 3 submissions from 3 submitters: Likely benign (3). Last evaluated 2026-01-28.

Conditions:
Epidermolysis bullosa simplex 3, localized or generalized intermediate, with BP230 deficiency (EBS3). Also called: Epidermolysis bullosa simplex due to BP230 deficiency; Epidermolysis bullosa simplex, autosomal recessive 2. Identifiers: Orphanet 412181, MedGen C3809470, MONDO:0014180, OMIM 615425.
Hereditary sensory and autonomic neuropathy type 6. Also called: Neuropathy, hereditary sensory and autonomic, type VI; HSAN VI. Identifiers: Orphanet 314381, MedGen C3539003, MONDO:0013839, OMIM 614653.

Allele frequency attached by ClinVar (database versions not stated): 1000 Genomes Project 0.00020; 1000 Genomes Project 30x 0.00031; ExAC 0.00043; gnomAD exomes 0.00049 and 0.00109; TOPMed 0.00069; ESP Exome Variant Server 0.00077; gnomAD 0.00085 and 0.00086.
gnomAD v4.1: 1,715 of 1,614,142 alleles (0.11%); highest among the groups gnomAD compares: Non-Finnish European, 0.14%; no homozygotes.

Submissions (3):

Labcorp Genetics (formerly Invitae), Labcorp
Classification: Likely benign for Epidermolysis bullosa simplex 3, localized or generalized intermediate, with BP230 deficiency; Hereditary sensory and autonomic neuropathy type 6. Last evaluated: 2026-01-28. Review status: criteria provided, single submitter. Criteria: Invitae Variant Classification Sherloc (09022015). Collection method: clinical testing. Allele origin: germline.

CeGaT Center for Human Genetics Tuebingen
Classification: Likely benign. Last evaluated: 2025-11-01. Review status: criteria provided, single submitter. Criteria: CeGaT Center For Human Genetics Tuebingen Variant Classification Criteria Version 2. Collection method: clinical testing. Allele origin: germline. Affected: yes. Observed: 1 variant allele.
Comment: DST: BP4, BP7

Blueprint Genetics
Classification: Likely benign. Last evaluated: 2024-09-25. Review status: criteria provided, single submitter. Criteria: ACMG Guidelines, 2015. Collection method: clinical testing. Allele origin: germline.

NM_001723.7(DST):c.84T>C (p.Asn28=)

Gene: DST (dystonin; minus strand). Cytogenetic location: 6p12.1.
Variant type: single nucleotide variant.
Coding change: c.84T>C on transcript NM_001723.7 (MANE Plus Clinical); coding-DNA position 84, T replaced by C.
Protein change: p.Asn28=; no amino-acid change (asparagine 28 retained).
Molecular consequence: synonymous variant. On other transcripts: intron variant (9).
Genome position (GRCh38, 1-based): chr6:56,642,705, A>G on the plus strand (T>C on the coding strand, the complement: DST is on the minus strand). VCF-style: chr6-56642705-A-G. GRCh37 (hg19) VCF-style: chr6-56507503-A-G.
Other names: c.84T>C, p.Asn28= (NM_015548.5); c.1680-202T>C (NM_001144769.5); c.1779-202T>C (NM_001374722.1, NM_001374736.1); c.1806-202T>C (NM_001374734.1); c.1266-202T>C (NM_001144770.2); c.1146-202T>C (NM_001374730.1, NM_001386100.1, NM_183380.4 and 1 more transcripts).
Identifiers: ClinVar variation 474556 (VCV000474556.19), dbSNP rs137865390, ClinGen allele CA3871596.